The following is an entry in ClinVar:

ClinVar aggregate classification (germline): Conflicting classifications of pathogenicity. Review status: criteria provided, conflicting classifications (1 of 4 stars). 2 submissions from 2 submitters: Likely pathogenic (1); Uncertain significance (1). Last evaluated 2025-10-15.

Conditions:
Pitt-Hopkins syndrome (PTHS). Also called: ENCEPHALOPATHY, SEVERE EPILEPTIC, WITH AUTONOMIC DYSFUNCTION; MENTAL RETARDATION, SYNDROMAL, WITH INTERMITTENT HYPERVENTILATION. Identifiers: Orphanet 2896, MedGen C1970431, MONDO:0012589, OMIM 610954.

Submissions (2):

Labcorp Genetics (formerly Invitae), Labcorp
Classification: Uncertain significance for Pitt-Hopkins syndrome. Last evaluated: 2025-10-15. Review status: criteria provided, single submitter. Criteria: Invitae Variant Classification Sherloc (09022015). Collection method: clinical testing. Allele origin: germline.
Comment: This sequence change affects a donor splice site in intron 18 of the TCF4 gene. While this variant is not anticipated to result in nonsense mediated decay, it likely alters RNA splicing and results in a disrupted protein product. This variant is not present in population databases (gnomAD no frequency). This variant has not been reported in the literature in individuals affected with TCF4-related conditions. ClinVar contains an entry for this variant (Variation ID: 1699197). Variants that disrupt the consensus splice site are a relatively common cause of aberrant splicing (PMID: 17576681, 9536098). Algorithms developed to predict the effect of sequence changes on RNA splicing suggest that this variant may disrupt the consensus splice site. In summary, the available evidence is currently insufficient to determine the role of this variant in disease. Therefore, it has been classified as a Variant of Uncertain Significance.

Victorian Clinical Genetics Services, Murdoch Childrens Research Institute
Classification: Likely pathogenic for Pitt-Hopkins syndrome. Last evaluated: 2022-06-24. Review status: criteria provided, single submitter. Criteria: ACMG Guidelines, 2015. Collection method: clinical testing. Allele origin: germline. Inheritance: Autosomal dominant inheritance. Affected: yes.
Comment: Based on the classification scheme VCGS_Germline_v1.3.4, this variant is classified as Likely Pathogenic. Following criteria are met: 0102 - Loss of function is a known mechanism of disease in this gene and is associated with Pitt-Hopkins syndrome (MIM#610954). (I) 0107 - This gene is associated with autosomal dominant disease. (I) 0211 - Canonical splice site variant without proven consequence on splicing (no functional evidence available). (SP) 0251 - This variant is heterozygous. (I) 0301 - Variant is absent from gnomAD (both v2 and v3). (SP) 0505 - Abnormal splicing is predicted by in silico tools and affected nucleotide is highly conserved. (SP) 0705 - No comparable canonical splice variants have previous evidence for pathogenicity. (I) 0807 - This variant has no previous evidence of pathogenicity. (I) 0905 - No published segregation evidence has been identified for this variant. (I) 1007 - No published functional evidence has been identified for this variant. (I) 1102 - Strong phenotype match for this individual. (SP) Legend: (SP) - Supporting pathogenic, (I) - Information, (SB) - Supporting benign

Literature cited by the submitters: PubMed 17576681 (cited by Labcorp Genetics (formerly Invitae), Labcorp); PubMed 9536098 (cited by Labcorp Genetics (formerly Invitae), Labcorp).

NM_001083962.2(TCF4):c.1879+1G>A

Gene: TCF4 (transcription factor 4; minus strand). Cytogenetic location: 18q21.2.
Variant type: single nucleotide variant.
Coding change: c.1879+1G>A on transcript NM_001083962.2 (MANE Select); the canonical splice donor site of the intron after coding-DNA position 1879, G replaced by A.
Molecular consequence: splice donor variant.
Genome position (GRCh38, 1-based): chr18:55,228,846, C>T on the plus strand (G>A on the coding strand, the complement: TCF4 is on the minus strand). VCF-style: chr18-55228846-C-T. GRCh37 (hg19) VCF-style: chr18-52896077-C-T.
Other names: c.2185+1G>A (NM_001243226.3); c.1792+1G>A (NM_001369584.1, NM_001369585.1, NM_001348220.1); c.1804+1G>A (NM_001369576.1, NM_001369577.1, NM_001369578.1 and 3 more transcripts); c.1795+1G>A (NM_001369582.1, NM_001369583.1, NM_001348219.2 and 1 more transcripts); c.1807+1G>A (NM_001243227.2, NM_001369575.1, NM_001348218.2 and 1 more transcripts); c.1810+1G>A (NM_001369586.1); c.1867+1G>A (NM_001369571.1, NM_001369572.1, NM_003199.3); c.1879+1G>A (NM_001369567.1, NM_001369568.1); and 14 more.
Identifiers: ClinVar variation 1699197 (VCV001699197.4), dbSNP rs2144400328, ClinGen allele CA402528048.